The following is an entry in ClinVar:

ClinVar aggregate classification (germline): Uncertain significance (1 of 4 stars; one submission).

Submission:

GeneDx
Classification: Uncertain significance. Last evaluated: 2015-12-18. Review status: criteria provided, single submitter. Criteria: GeneDx Variant Classification (06012015). Collection method: clinical testing. Allele origin: germline. Affected: yes.
Comment: The Q7967X variant in the TTN gene has not been reported previously as a pathogenic variant nor as a benign variant, to our knowledge. The Q7967X variant was not observed in approximately 6000 individuals of European and African American ancestry in the NHLBI Exome Sequencing Project,indicating it is not a common benign variant in these populations. This variant is predicted to cause loss of normal protein function either through protein truncation or nonsense-mediated mRNA decay. However, Q7967X is located in the I-band region of titin, where no definitively pathogenic variants have been reported (Stenson et al., 2014). Therefore, we interpret Q7967X as a variant of uncertainsignificance.

NM_001267550.2(TTN):c.24850C>T (p.Gln8284Ter)

Gene: TTN (titin; minus strand). Cytogenetic location: 2q31.2.
Variant type: single nucleotide variant.
Coding change: c.24850C>T on transcript NM_001267550.2 (MANE Select); coding-DNA position 24850, C replaced by T.
Protein change: p.Gln8284Ter; replaces glutamine 8284 with a stop codon.
Molecular consequence: nonsense. On other transcripts: intron variant (3).
Genome position (GRCh38, 1-based): chr2:178,718,156, G>A on the plus strand (C>T on the coding strand, the complement: TTN is on the minus strand). VCF-style: chr2-178718156-G-A. GRCh37 (hg19) VCF-style: chr2-179582883-G-A.
Other names: c.23899C>T, p.Gln7967Ter (NM_001256850.1); c.21118C>T, p.Gln7040Ter (NM_133378.4); c.13282+19926C>T (NM_003319.4); c.13858+19926C>T (NM_133437.4); c.13657+19926C>T (NM_133432.3); short protein forms Q7967*, Q8284*, Q7040*.
Identifiers: ClinVar variation 488856 (VCV000488856.2), dbSNP rs1553902745, ClinGen allele CA349495759.